The following is an entry in ClinVar:

NM_005902.4(SMAD3):c.608-4_611del

Gene: SMAD3 (SMAD family member 3; plus strand). Cytogenetic location: 15q22.33.
Variant type: Deletion.
Coding change: c.608-4_611del on transcript NM_005902.4 (MANE Select); 4 bases into the intron before coding-DNA position 608 through coding-DNA position 611, 8 bases deleted (GCAGGTTC; older notation c.608-4_611delGCAGGTTC).
Molecular consequence: splice acceptor variant.
Genome position (GRCh38, 1-based): chr15:67,170,550-67,170,557, GCAGGTTC deleted; deleting any 8 consecutive bases within chr15:67,170,548-67,170,557 gives the same sequence; the c. name uses the placement nearest the transcript's 3' end. VCF-style (leftmost placement, unchanged base first): chr15-67170547-CTCGCAGGT-C. GRCh37 (hg19) VCF-style: chr15-67462885-CTCGCAGGT-C.
Other names: c.608-4_611del (NM_001407011.1, NM_001407013.1); c.476-4_479del (NM_001407012.1, NM_001145103.2); c.461-4_464del (NM_001407014.1); c.293-4_296del (NM_001145102.2, NM_001407016.1); c.161-4_164del (NM_001407015.1); c.23-4_26del (NM_001145104.2, NM_001407017.1).
Identifiers: ClinVar variation 3072669 (VCV003072669.1), dbSNP rs2505239545, ClinGen allele CA2825002294.

ClinVar aggregate classification (germline): Likely pathogenic (1 of 4 stars; one submission).

Conditions:
Aneurysm-osteoarthritis syndrome. Also called: SMAD3-Related Loeys-Dietz Syndrome; ANEURYSMS-OSTEOARTHRITIS SYNDROME; Loeys-Dietz syndrome, type 1C; LOEYS-DIETZ SYNDROME WITH OSTEOARTHRITIS. Identifiers: Orphanet 284984, MedGen C3151087, MONDO:0013426, OMIM 613795.

Submission:

All of Us Research Program, National Institutes of Health
Classification: Likely pathogenic for Aneurysm-osteoarthritis syndrome. Last evaluated: 2023-08-15. Review status: criteria provided, single submitter. Criteria: ACMG Guidelines, 2015. Collection method: clinical testing. Allele origin: germline. Inheritance: Autosomal dominant inheritance. Observed: 1 variant allele, 1 heterozygote.
Comment: This variant alters the intron 4 canonical splice acceptor site of the SMAD3 gene by deleting the last 4 bp of intron 4 and the first 4 bp of exon 5. Splice site prediction tools suggest that this variant may have a significant impact on RNA splicing. Although this prediction has not been confirmed in published RNA studies, this variant is expected to result in an absent or disrupted protein product. To our knowledge, this variant has not been reported in individuals affected with SMAD3-related disorders in the literature. This variant has not been identified in the general population by the Genome Aggregation Database (gnomAD). Loss of SMAD3 function is a known mechanism of disease. Based on the available evidence, this variant is classified as Likely Pathogenic.

This study involves interpretation of variants in research participants for the purpose of population health screening. Participant phenotype was not available at the time of variant classification. Additional details can be found in publication PMID: 35346344, PMCID: PMC8962531